The following is an entry in ClinVar:

ClinVar aggregate classification (germline): Benign/Likely benign. Review status: criteria provided, multiple submitters, no conflicts (2 of 4 stars). 2 submissions from 2 submitters: Benign (1); Likely benign (1). Last evaluated 2020-05-17.

Allele frequency attached by ClinVar (database versions not stated): gnomAD exomes 0.00014 and 0.00040; ExAC 0.00049; ESP Exome Variant Server 0.00162; TOPMed 0.00162; 1000 Genomes Project 0.00180; gnomAD 0.00182 and 0.00191; 1000 Genomes Project 30x 0.00234.
gnomAD v4.1: 480 of 1,553,942 alleles (0.031%); highest among the groups gnomAD compares: African/African-American, 0.58%; 2 homozygotes.

Submissions (2):

GeneDx
Classification: Likely benign. Last evaluated: 2020-05-17. Review status: criteria provided, single submitter. Criteria: GeneDx Variant Classification Process June 2021. Collection method: clinical testing. Allele origin: germline. Affected: yes.

Laboratory for Molecular Medicine, Mass General Brigham Personalized Medicine
Classification: Benign. Last evaluated: 2016-08-31. Review status: criteria provided, single submitter. Criteria: LMM Criteria. Collection method: clinical testing. Allele origin: germline. Observed: 1 variant allele.
Comment: 292+11A>G in Intron 06 of MSRB3: This variant is not expected to have clinical s ignificance because it is not located within the conserved splice consensus sequ ence and has been identified in 0.5% (55/9932) of African chromosomes by the Exo me Aggregation Consortium (ExAC; dbSNP rs2000964 51).

NM_001031679.3(MSRB3):c.292+11A>G

Gene: MSRB3 (methionine sulfoxide reductase B3; plus strand). Cytogenetic location: 12q14.3.
Variant type: single nucleotide variant.
Coding change: c.292+11A>G on transcript NM_001031679.3 (MANE Select); 11 bases into the intron after coding-DNA position 292, A replaced by G.
Molecular consequence: intron variant.
Genome position (GRCh38, 1-based): chr12:65,369,037, A>G. VCF-style: chr12-65369037-A-G. GRCh37 (hg19) VCF-style: chr12-65762817-A-G.
Other names: c.292+11A>G (NM_001193460.2, NM_001193461.2); c.313+11A>G (NM_198080.4).
Identifiers: ClinVar variation 504614 (VCV000504614.6), dbSNP rs200096451, ClinGen allele CA6671456.